The following is an entry in ClinVar:

NM_023110.3(FGFR1):c.2464C>T (p.Arg822Cys)

Gene: FGFR1 (fibroblast growth factor receptor 1; minus strand). Cytogenetic location: 8p11.23.
Variant type: single nucleotide variant.
Coding change: c.2464C>T on transcript NM_023110.3 (MANE Select); coding-DNA position 2464, C replaced by T.
Protein change: p.Arg822Cys; replaces arginine 822 with cysteine.
Molecular consequence: missense variant. On other transcripts: intron variant (3).
Genome position (GRCh38, 1-based): chr8:38,413,633, G>A on the plus strand (C>T on the coding strand, the complement: FGFR1 is on the minus strand). VCF-style: chr8-38413633-G-A. GRCh37 (hg19) VCF-style: chr8-38271151-G-A.
Other names: c.2458C>T, p.Arg820Cys (NM_001174063.2, NM_001174065.2, NM_015850.4); c.2434C>T, p.Arg812Cys (NM_001174064.2); c.2197C>T, p.Arg733Cys (NM_001174066.2, NM_023105.3); c.2557C>T, p.Arg853Cys (NM_001174067.2); c.2185C>T, p.Arg729Cys (NM_001354368.2); c.2191C>T, p.Arg731Cys (NM_023106.3); c.2019+285C>T (NM_001354370.2); c.2286+285C>T (NM_001354367.2); and 1 more; short protein forms R822C, R731C, R733C, R729C, R812C, R820C, R853C.
Identifiers: ClinVar variation 536195 (VCV000536195.17), dbSNP rs17182463, ClinGen allele CA4718065.

ClinVar aggregate classification (germline): Conflicting classifications of pathogenicity. Review status: criteria provided, conflicting classifications (1 of 4 stars). 9 submissions from 6 submitters: Uncertain significance (2); Benign (3); Likely benign (3). 1 of the submissions does not count toward it. Last evaluated 2025-12-22.

Conditions:
Pfeiffer syndrome (ACS5). Also called: ACS V. Identifiers: Orphanet 710, MedGen C0220658, MONDO:0007043, OMIM 101600.
Encephalocraniocutaneous lipomatosis (ECCL). Identifiers: Orphanet 2396, MedGen C0406612, MONDO:0013074, OMIM 613001.
FGFR1-related disorder. Also called: FGFR1-related condition; FGFR1-related disorders. Identifiers: MedGen CN380097.
Craniosynostosis syndrome. Also called: Craniosynostosis. Identifiers: Orphanet 1531, MedGen C0010278, MeSH D003398, MONDO:0015469, HP:0001363.
Trigonocephaly 1 (TRIGNO1). Identifiers: Orphanet 3366, MedGen C0432122, MONDO:0008603, OMIM 190440.
Hypogonadotropic hypogonadism 2 with or without anosmia (HH2). Also called: HYPOGONADOTROPIC HYPOGONADISM 2 WITH OR WITHOUT ANOSMIA, SUSCEPTIBILITY TO; HYPOGONADOTROPIC HYPOGONADISM 2 WITHOUT ANOSMIA, SUSCEPTIBILITY TO; HYPOGONADOTROPIC HYPOGONADISM 2 WITHOUT ANOSMIA; FGFR1-Related GnRH Deficiency (Kallmann Syndrome 2). Identifiers: Orphanet 478, MedGen C1563720, MONDO:0007844, OMIM 147950. Disease mechanism: loss of function.
Osteoglophonic dysplasia (OGD). Also called: Osteoglophonic dwarfism. Identifiers: Orphanet 2645, MedGen C0432283, MONDO:0008150, OMIM 166250.

Allele frequency attached by ClinVar (database versions not stated): ExAC 0.00023; gnomAD 0.00025 and 0.00029; gnomAD exomes 0.00026 and 0.00034; ESP Exome Variant Server 0.00032; TOPMed 0.00039.
gnomAD v4.1: 526 of 1,608,900 alleles (0.033%); highest among the groups gnomAD compares: Admixed American, 0.073%; no homozygotes.

Submissions (9):

Labcorp Genetics (formerly Invitae), Labcorp
Classification: Likely benign for Pfeiffer syndrome; Hypogonadotropic hypogonadism 2 with or without anosmia. Last evaluated: 2025-12-22. Review status: criteria provided, single submitter. Criteria: Invitae Variant Classification Sherloc (09022015). Collection method: clinical testing. Allele origin: germline.

Clinical Genomics Laboratory, Washington University in St. Louis
Classification: Uncertain significance for Encephalocraniocutaneous lipomatosis; Pfeiffer syndrome. Last evaluated: 2025-07-21. Review status: criteria provided, single submitter. Criteria: ACMG Guidelines, 2015. Collection method: clinical testing. Allele origin: germline.
Comment: An FGFR1 c.2464C>T (p.Arg822Cys) variant was identified at a near heterozygous allelic fraction of 44.8%, a frequency which may be consistent with it being of germline origin. This variant has been reported in one individual affected with Kallmann's syndrome and, to our knowledge, it has not been reported in Kaposiform hemangioendothelioma ((Dodé C et al., PMID: 18985070). This variant has been reported in the ClinVar database in a germline state as likely benign/benign by four submitters and a variant of uncertain significance by one submitter (ClinVar ID 536195). The highest population minor allele frequency in the population database genome aggregation database (v.4.1.0) is 0.07% in the Admixed American population. Computational predictors are uncertain as to the impact of this variant on FGFR1 function. Due to limited information, and based on ACMG/AMP guidelines for variant interpretation (Richards S et al., PMID: 25741868), the clinical significance of this variant is uncertain at this time.

Reproductive Endocrine Unit, Massachusetts General Hospital
Classification: Uncertain significance for Hypogonadotropic hypogonadism 2 with or without anosmia. Last evaluated: 2023-05-04. Review status: criteria provided, single submitter. Criteria: ACMG Guidelines, 2015. Collection method: research. Allele origin: unknown. Affected: yes. Observed: 1 variant allele.
Comment: The variant has been classified as VUS based on the variant meeting the following ACMG Criteria: BS3.

GeneDx
Classification: Likely benign. Last evaluated: 2021-06-21. Review status: criteria provided, single submitter. Criteria: GeneDx Variant Classification Process June 2021. Collection method: clinical testing. Allele origin: germline. Affected: yes.
Comment: In silico analysis supports that this missense variant does not alter protein structure/function; This variant is associated with the following publications: (PMID: Neocleous2019[Abstract], 32982993, 27535533, 29419413, 18985070, 17154279, 23329143)

Illumina Laboratory Services, Illumina
Classification: Benign for Trigonocephaly 1. Last evaluated: 2017-04-28. Review status: criteria provided, single submitter. Criteria: ICSL Variant Classification Criteria 13 December 2019. Collection method: clinical testing. Allele origin: germline.
Comment: This variant was observed as part of a predisposition screen in an ostensibly healthy population. A literature search was performed for the gene, cDNA change, and amino acid change (where applicable). No publications were found based on this search. Allele frequency data from public databases was too high to be consistent with this variant causing disease. Therefore, this variant is classified as benign.

Illumina Laboratory Services, Illumina
Classification: Benign for Craniosynostosis. Last evaluated: 2017-04-28. Review status: criteria provided, single submitter. Criteria: ICSL Variant Classification Criteria 13 December 2019. Collection method: clinical testing. Allele origin: germline.
Comment: the same text as in the submission from Illumina Laboratory Services, Illumina above.

Illumina Laboratory Services, Illumina
Classification: Likely benign for Hypogonadotropic hypogonadism 2 with or without anosmia. Last evaluated: 2017-04-28. Review status: criteria provided, single submitter. Criteria: ICSL Variant Classification Criteria 13 December 2019. Collection method: clinical testing. Allele origin: germline.
Comment: This variant was observed as part of a predisposition screen in an ostensibly healthy population. A literature search was performed for the gene, cDNA change, and amino acid change (where applicable). Publications were found based on this search. The evidence from the literature, in combination with allele frequency data from public databases where available, was sufficient to determine this variant is unlikely to cause disease. Therefore, this variant is classified as likely benign.

Illumina Laboratory Services, Illumina
Classification: Benign for Osteoglophonic dysplasia. Last evaluated: 2017-04-28. Review status: criteria provided, single submitter. Criteria: ICSL Variant Classification Criteria 13 December 2019. Collection method: clinical testing. Allele origin: germline.
Comment: the same text as in the submission from Illumina Laboratory Services, Illumina above.

PreventionGenetics, part of Exact Sciences
Classification: Likely benign for FGFR1-related condition. Last evaluated: 2022-10-31. Review status: no assertion criteria provided. Collection method: clinical testing. Allele origin: germline. Not counted in ClinVar's aggregate classification.
Comment: This variant is classified as likely benign based on ACMG/AMP sequence variant interpretation guidelines (Richards et al. 2015 PMID: 25741868, with internal and published modifications).

Literature cited by the submitters: PubMed 23329143 (cited by Illumina Laboratory Services, Illumina); PubMed 17154279 (cited by Illumina Laboratory Services, Illumina); PubMed 25425165 (cited by Illumina Laboratory Services, Illumina); PubMed 18985070 (cited by Illumina Laboratory Services, Illumina); PubMed 18160472 (cited by Illumina Laboratory Services, Illumina).